The following is an entry in ClinVar:

ClinVar aggregate classification (germline): Conflicting classifications of pathogenicity. Review status: criteria provided, conflicting classifications (1 of 4 stars). 7 submissions from 7 submitters: Pathogenic (1); Likely pathogenic (3); Uncertain significance (1). 2 of the submissions do not count toward it. Last evaluated 2024-12-01.

Conditions:
KMT2D-related disorder. Also called: KMT2D-Related Disorders.
Kabuki syndrome 1 (KABUK1). Also called: KMT2D-Related Kabuki Syndrome. Identifiers: Orphanet 2322, MedGen CN030661, MONDO:0007843, OMIM 147920.

Submissions (7):

Department of Pediatric Genetics, University of Health Sciences, Ankara Bilkent City Children’s Hospital
Classification: Pathogenic for Kabuki syndrome 1. Last evaluated: 2024-12-01. Review status: criteria provided, single submitter. Criteria: ACMG Guidelines, 2015. Collection method: clinical testing. Allele origin: de novo. Affected: yes.
Comment: The c.16489_16491del variant in the KMT2D gene (NM_003482.4) is an in-frame deletion located in exon 54 and has not been previously reported in ClinVar. The variant was considered under PS4 as it has been reported in several unrelated patients with the same phenotype and is enriched in affected individuals compared to the general population. PM4 was applied because the variant is an in-frame deletion that alters the length of the protein. The allele frequency of this variant is not reported, and it is absent from population databases such as gnomAD (PM2). PM6 was applied because the variant represents a de novo occurrence in a patient with the disease and no family history. The patient's clinical features are highly specific and strongly correlated with the gene in question, for which a single genetic etiology is well established. Therefore, PP4 was considered applicable. In summary, this variant meets the criteria to be classified as pathogenic for Kabuki syndrome 1 (#147920), based on the ACMG guidelines (Richards et al., 2015), with supporting evidence from criteria PS4, PM2, PM4, PM6, and PP4.

Laboratorio de Genetica e Diagnostico Molecular, Hospital Israelita Albert Einstein
Classification: Likely pathogenic for Kabuki syndrome 1. Last evaluated: 2022-10-29. Review status: criteria provided, single submitter. Criteria: ACMG Guidelines, 2015. Collection method: clinical testing. Allele origin: germline. Affected: yes. Observed: 1 variant allele.
Comment: ACMG classification criteria: PS4 moderated, PM2 moderated, PM4, PM6 moderated

Blueprint Genetics
Classification: Likely pathogenic for KMT2D-related disorders. Last evaluated: 2017-06-29. Review status: criteria provided, single submitter. Criteria: ACMG Guidelines, 2015. Collection method: clinical testing. Allele origin: germline. Affected: yes. Observed: 1 variant allele.

Center for Human Genetics, Inc
Classification: Uncertain significance for Kabuki syndrome 1. Last evaluated: 2016-11-01. Review status: criteria provided, single submitter. Criteria: ACMG Guidelines, 2015. Collection method: clinical testing. Allele origin: germline. Affected: yes.

Genetic Services Laboratory, University of Chicago
Classification: Likely pathogenic for Kabuki syndrome 1. Last evaluated: 2014-03-07. Review status: criteria provided, single submitter. Criteria: ACMG Guidelines, 2007. Collection method: clinical testing. Allele origin: germline. Inheritance: Autosomal dominant inheritance. Affected: yes.

Biochemical Molecular Genetic Laboratory, King Abdulaziz Medical City
Classification: Likely pathogenic for Kabuki syndrome 1. Last evaluated: 2020-02-05. Review status: no assertion criteria provided. Collection method: clinical testing. Allele origin: germline. Affected: yes. Not counted in ClinVar's aggregate classification.

Autoinflammatory diseases unit, CHU de Montpellier
Classification: Pathogenic for Kabuki syndrome 1. Last evaluated: 2013-10-01. Review status: no assertion criteria provided. Collection method: clinical testing. Allele origin: unknown. Affected: yes. Not counted in ClinVar's aggregate classification.

NM_003482.4(KMT2D):c.16480ATC[3] (p.Ile5497del)

Gene: KMT2D (lysine methyltransferase 2D; minus strand). Cytogenetic location: 12q13.12.
Variant type: Microsatellite.
Coding change: c.16480ATC[3] on transcript NM_003482.4 (MANE Select); three copies in a row of the 3-base unit ATC starting at c.16480; the reference has four copies in a row; one copy, 3 bases deleted; also written c.16489_16491del.
Protein change: p.Ile5497del; deletes isoleucine 5497.
Molecular consequence: inframe deletion.
Genome position (GRCh38, 1-based): chr12:49,022,073-49,022,075, GAT deleted on the plus strand (ATC on the coding strand, the reverse complement: KMT2D is on the minus strand); deleting any 3 consecutive bases within chr12:49,022,073-49,022,084 gives the same sequence; the position shown is the placement nearest the transcript's 3' end. VCF-style (leftmost placement, unchanged base first): chr12-49022072-AGAT-A. GRCh37 (hg19) VCF-style: chr12-49415855-AGAT-A.
Other names: c.16489_16491delATC (NM_003482.3); c.16489_16491del (NM_003482.4); short protein forms I5497del.
Identifiers: ClinVar variation 158745 (VCV000158745.13), dbSNP rs587783704, ClinGen allele CA271616.